The following is an entry in ClinVar:

ClinVar aggregate classification (germline): Uncertain significance (1 of 4 stars; one submission).

Allele frequency attached by ClinVar (database versions not stated): gnomAD exomes below 0.00001.
gnomAD v4.1: 1 of 1,547,260 alleles (0.000065%); highest among the groups gnomAD compares: Admixed American, 0.002%; no homozygotes.

Submission:

GeneDx
Classification: Uncertain significance. Last evaluated: 2023-03-26. Review status: criteria provided, single submitter. Criteria: GeneDx Variant Classification Process June 2021. Collection method: clinical testing. Allele origin: germline. Affected: yes.
Comment: Not observed at significant frequency in large population cohorts (gnomAD); In silico analysis supports that this missense variant has a deleterious effect on protein structure/function; Has not been previously published as pathogenic or benign to our knowledge

NM_016148.5(SHANK1):c.2381A>G (p.Glu794Gly)

Gene: SHANK1 (SH3 and multiple ankyrin repeat domains 1; minus strand). Cytogenetic location: 19q13.33.
Variant type: single nucleotide variant.
Coding change: c.2381A>G on transcript NM_016148.5 (MANE Select); coding-DNA position 2381, A replaced by G.
Protein change: p.Glu794Gly; replaces glutamic acid 794 with glycine.
Molecular consequence: missense variant.
Genome position (GRCh38, 1-based): chr19:50,687,590, T>C on the plus strand (A>G on the coding strand, the complement: SHANK1 is on the minus strand). VCF-style: chr19-50687590-T-C. GRCh37 (hg19) VCF-style: chr19-51190847-T-C.
Other names: short protein forms E794G.
Identifiers: ClinVar variation 2581989 (VCV002581989.1), dbSNP rs2513922196, ClinGen allele CA407025571.